The following is an entry in ClinVar:

ClinVar aggregate classification (germline): Uncertain significance (1 of 4 stars; one submission).

Allele frequency attached by ClinVar (database versions not stated): gnomAD exomes below 0.00001.
gnomAD v4.1: 2 of 1,614,178 alleles (0.00012%); highest among the groups gnomAD compares: Non-Finnish European, 0.00017%; no homozygotes.

Submission:

Labcorp Genetics (formerly Invitae), Labcorp
Classification: Uncertain significance. Last evaluated: 2022-06-22. Review status: criteria provided, single submitter. Criteria: Invitae Variant Classification Sherloc (09022015). Collection method: clinical testing. Allele origin: germline.
Comment: In summary, the available evidence is currently insufficient to determine the role of this variant in disease. Therefore, it has been classified as a Variant of Uncertain Significance. This sequence change replaces isoleucine, which is neutral and non-polar, with threonine, which is neutral and polar, at codon 159 of the AP2M1 protein (p.Ile159Thr). This variant is not present in population databases (gnomAD no frequency). This variant has not been reported in the literature in individuals affected with AP2M1-related conditions. Algorithms developed to predict the effect of missense changes on protein structure and function are either unavailable or do not agree on the potential impact of this missense change (SIFT: "Deleterious"; PolyPhen-2: "Benign"; Align-GVGD: "Class C65").

NM_004068.4(AP2M1):c.476T>C (p.Ile159Thr)

Gene: AP2M1 (adaptor related protein complex 2 subunit mu 1; plus strand). Cytogenetic location: 3q27.1.
Variant type: single nucleotide variant.
Coding change: c.476T>C on transcript NM_004068.4 (MANE Select); coding-DNA position 476, T replaced by C.
Protein change: p.Ile159Thr; replaces isoleucine 159 with threonine.
Molecular consequence: missense variant.
Genome position (GRCh38, 1-based): chr3:184,180,895, T>C. VCF-style: chr3-184180895-T-C. GRCh37 (hg19) VCF-style: chr3-183898683-T-C.
Other names: c.470T>C, p.Ile157Thr (NM_001025205.2); c.551T>C, p.Ile184Thr (NM_001311198.2); short protein forms I157T, I159T, I184T.
Identifiers: ClinVar variation 2009424 (VCV002009424.4), dbSNP rs2473723578, ClinGen allele CA355424129.